The following is an entry in ClinVar:

ClinVar aggregate classification (germline): Uncertain significance (1 of 4 stars; one submission).

Conditions:
Microcephaly, normal intelligence and immunodeficiency (NBS). Also called: Nijmegen breakage syndrome; Microcephaly with normal intelligence immunodeficiency and lymphoreticular malignancies; Nonsyndromal microcephaly autosomal recessive with normal intelligence; Seemanova syndrome 2; IMMUNODEFICIENCY, MICROCEPHALY, AND CHROMOSOMAL INSTABILITY; BERLIN BREAKAGE SYNDROME. Identifiers: Orphanet 647, MedGen C0398791, MONDO:0009623, OMIM 251260.

Submission:

Labcorp Genetics (formerly Invitae), Labcorp
Classification: Uncertain significance for Microcephaly, normal intelligence and immunodeficiency. Last evaluated: 2020-12-14. Review status: criteria provided, single submitter. Criteria: Invitae Variant Classification Sherloc (09022015). Collection method: clinical testing. Allele origin: germline.
Comment: In summary, the available evidence is currently insufficient to determine the role of this variant in disease. Therefore, it has been classified as a Variant of Uncertain Significance. Algorithms developed to predict the effect of missense changes on protein structure and function (SIFT, PolyPhen-2, Align-GVGD) all suggest that this variant is likely to be tolerated, but these predictions have not been confirmed by published functional studies and their clinical significance is uncertain. This variant has not been reported in the literature in individuals with NBN-related conditions. This variant is not present in population databases (ExAC no frequency). This sequence change replaces glutamic acid with glutamine at codon 573 of the NBN protein (p.Glu573Gln). The glutamic acid residue is moderately conserved and there is a small physicochemical difference between glutamic acid and glutamine.

NM_002485.5(NBN):c.1717G>C (p.Glu573Gln)

Gene: NBN (nibrin; minus strand). Cytogenetic location: 8q21.3.
Variant type: single nucleotide variant.
Coding change: c.1717G>C on transcript NM_002485.5 (MANE Select); coding-DNA position 1717, G replaced by C.
Protein change: p.Glu573Gln; replaces glutamic acid 573 with glutamine.
Molecular consequence: missense variant.
Genome position (GRCh38, 1-based): chr8:89,953,372, C>G on the plus strand (G>C on the coding strand, the complement: NBN is on the minus strand). VCF-style: chr8-89953372-C-G. GRCh37 (hg19) VCF-style: chr8-90965600-C-G.
Other names: c.1471G>C, p.Glu491Gln (NM_001024688.3); short protein forms E491Q, E573Q.
Identifiers: ClinVar variation 1429626 (VCV001429626.8), dbSNP rs2129697994, ClinGen allele CA371655252.